The following is an entry in ClinVar:

ClinVar aggregate classification (germline): Benign. Review status: criteria provided, multiple submitters, no conflicts (2 of 4 stars). 7 submissions from 7 submitters: Benign (4). 3 of the submissions do not count toward it. Last evaluated 2026-02-04.

Conditions:
Occipital pachygyria and polymicrogyria. Identifiers: Orphanet 280640, MedGen C3279875, MONDO:0013583, OMIM 614115.

Allele frequency attached by ClinVar (database versions not stated): ExAC 0.28471; gnomAD 0.28481 and 0.28739; ESP Exome Variant Server 0.30201; gnomAD exomes 0.32124 and 0.28147; 1000 Genomes Project 30x 0.22111; 1000 Genomes Project 0.22204; TOPMed 0.27380.
gnomAD v4.1: 511,191 of 1,613,702 alleles (32%); highest among the groups gnomAD compares: Non-Finnish European, 35%; 84,063 homozygotes.

Submissions (7):

Labcorp Genetics (formerly Invitae), Labcorp
Classification: Benign. Last evaluated: 2026-02-04. Review status: criteria provided, single submitter. Criteria: Invitae Variant Classification Sherloc (09022015). Collection method: clinical testing. Allele origin: germline.

Genome-Nilou Lab
Classification: Benign for Occipital pachygyria and polymicrogyria. Last evaluated: 2021-08-19. Review status: criteria provided, single submitter. Criteria: ACMG Guidelines, 2015. Collection method: clinical testing. Allele origin: germline. Affected: no.

GeneDx
Classification: Benign. Last evaluated: 2015-03-03. Review status: criteria provided, single submitter. Criteria: GeneDx Variant Classification Process June 2021. Collection method: clinical testing. Allele origin: germline. Affected: yes.

Breakthrough Genomics
Classification: Benign. Review status: criteria provided, single submitter. Criteria: ACMG Guidelines, 2015. Collection method: not provided. Allele origin: germline. Inheritance: Autosomal recessive inheritance. Affected: yes.

Clinical Genetics DNA and cytogenetics Diagnostics Lab, Erasmus MC, Erasmus Medical Center
Classification: Benign. Review status: no assertion criteria provided. Collection method: clinical testing. Allele origin: germline. Affected: yes. Study: VKGL Data-share Consensus. Not counted in ClinVar's aggregate classification.

Diagnostic Laboratory, Department of Genetics, University Medical Center Groningen
Classification: Benign for Occipital pachygyria and polymicrogyria. Review status: no assertion criteria provided. Collection method: clinical testing. Allele origin: germline. Affected: yes. Study: VKGL Data-share Consensus. Not counted in ClinVar's aggregate classification.

Genetic Services Laboratory, University of Chicago
Classification: Likely benign for AllHighlyPenetrant. Review status: no assertion criteria provided. Collection method: clinical testing. Allele origin: germline. Inheritance: X-linked inheritance. Not counted in ClinVar's aggregate classification.
Comment: Likely benign based on allele frequency in 1000 Genomes Project or ESP global frequency and its presence in a patient with a rare or unrelated disease phenotype. NOT Sanger confirmed.

NM_006059.4(LAMC3):c.4298C>T (p.Thr1433Met)

Gene: LAMC3 (laminin subunit gamma 3; plus strand). Cytogenetic location: 9q34.12.
Variant type: single nucleotide variant.
Coding change: c.4298C>T on transcript NM_006059.4 (MANE Select); coding-DNA position 4298, C replaced by T.
Protein change: p.Thr1433Met; replaces threonine 1433 with methionine.
Molecular consequence: missense variant.
Genome position (GRCh38, 1-based): chr9:131,087,543, C>T. VCF-style: chr9-131087543-C-T. GRCh37 (hg19) VCF-style: chr9-133962930-C-T.
Other names: short protein forms T1433M.
Identifiers: ClinVar variation 129465 (VCV000129465.20), dbSNP rs7024108, ClinGen allele CA153497.
Genomic context (GRCh38, chr9:131,087,543, plus strand): 5'-AGGCCTTGCTGAGGGAGCGGAAACAGGCGCACCGCCGTGCCAGCAGGCTCACCAGCCAGA[C>T]GCAAGCCACGCTCCAACAGGCGTCCCAGCAGGTGCTGGCGTCTGAAGCACGCAGACAGGA-3'
Protein context (NP_006050.3, residues 1423-1443): HRRASRLTSQ[Thr1433Met]QATLQQASQQ